The following is an entry in ClinVar:

ClinVar aggregate classification (germline): Uncertain significance (1 of 4 stars; one submission).

Conditions:
Alpha thalassemia-X-linked intellectual disability syndrome (ATRX). Also called: X-linked alpha-thalassemia-mental retardation syndrome; ALPHA-THALASSEMIA/IMPAIRED INTELLECTUAL DEVELOPMENT SYNDROME, X-LINKED; ALPHA-THALASSEMIA/MENTAL RETARDATION SYNDROME, X-LINKED; ATR, NONDELETION TYPE; ATR-X syndrome; Alpha thalassemia mental retardation syndrome, nondeletion type, X-linked. Identifiers: Orphanet 847, MedGen C1845055, MONDO:0010519, OMIM 301040.

Submission:

Labcorp Genetics (formerly Invitae), Labcorp
Classification: Uncertain significance for Alpha thalassemia-X-linked intellectual disability syndrome. Last evaluated: 2021-05-12. Review status: criteria provided, single submitter. Criteria: Invitae Variant Classification Sherloc (09022015). Collection method: clinical testing. Allele origin: germline.
Comment: This sequence change replaces lysine with glutamic acid at codon 986 of the ATRX protein (p.Lys986Glu). The lysine residue is weakly conserved and there is a small physicochemical difference between lysine and glutamic acid. This variant is not present in population databases (ExAC no frequency). This variant has not been reported in the literature in individuals with ATRX-related conditions. In summary, the available evidence is currently insufficient to determine the role of this variant in disease. Therefore, it has been classified as a Variant of Uncertain Significance. Advanced modeling of protein sequence and biophysical properties (such as structural, functional, and spatial information, amino acid conservation, physicochemical variation, residue mobility, and thermodynamic stability) performed at Invitae indicates that this missense variant is not expected to disrupt ATRX protein function.

NM_000489.6(ATRX):c.2956A>G (p.Lys986Glu)

Gene: ATRX (ATRX chromatin remodeler; minus strand). Cytogenetic location: Xq21.1.
Variant type: single nucleotide variant.
Coding change: c.2956A>G on transcript NM_000489.6 (MANE Select); coding-DNA position 2956, A replaced by G.
Protein change: p.Lys986Glu; replaces lysine 986 with glutamic acid.
Molecular consequence: missense variant.
Genome position (GRCh38, 1-based): chrX:77,682,300, T>C on the plus strand (A>G on the coding strand, the complement: ATRX is on the minus strand). VCF-style: chrX-77682300-T-C. GRCh37 (hg19) VCF-style: chrX-76937792-T-C.
Other names: c.2842A>G, p.Lys948Glu (NM_138270.5); short protein forms K986E, K948E.
Identifiers: ClinVar variation 1440277 (VCV001440277.8), dbSNP rs2071255335, ClinGen allele CA413709246.